The following is an entry in ClinVar:

NM_006904.7(PRKDC):c.4396A>G (p.Asn1466Asp)

Gene: PRKDC (protein kinase, DNA-activated, catalytic subunit; minus strand). Cytogenetic location: 8q11.21.
Variant type: single nucleotide variant.
Coding change: c.4396A>G on transcript NM_006904.7 (MANE Select); coding-DNA position 4396, A replaced by G.
Protein change: p.Asn1466Asp; replaces asparagine 1466 with aspartic acid.
Molecular consequence: missense variant.
Genome position (GRCh38, 1-based): chr8:47,888,535, T>C on the plus strand (A>G on the coding strand, the complement: PRKDC is on the minus strand). VCF-style: chr8-47888535-T-C. GRCh37 (hg19) VCF-style: chr8-48801096-T-C.
Other names: c.4396A>G, p.Asn1466Asp (NM_001081640.2); short protein forms N1466D.
Identifiers: ClinVar variation 1740256 (VCV001740256.2), dbSNP rs2551873559, ClinGen allele CA371145449.

ClinVar aggregate classification (germline): Uncertain significance (1 of 4 stars; one submission).

Submission:

Ambry Genetics
Classification: Uncertain significance. Last evaluated: 2022-08-01. Review status: criteria provided, single submitter. Criteria: Ambry Variant Classification Scheme 2023. Collection method: clinical testing. Allele origin: germline.
Comment: The p.N1466D variant (also known as c.4396A>G), located in coding exon 34 of the PRKDC gene, results from an A to G substitution at nucleotide position 4396. The asparagine at codon 1466 is replaced by aspartic acid, an amino acid with highly similar properties. This amino acid position is conserved. In addition, this alteration is predicted to be tolerated by in silico analysis. Since supporting evidence is limited at this time, the clinical significance of this alteration remains unclear.